The following is an entry in ClinVar:

ClinVar aggregate classification (germline): Likely benign (1 of 4 stars; one submission).

gnomAD v4.1: 83 of 1,075,062 alleles (0.0077%); highest among the groups gnomAD compares: Admixed American, 0.12%; no homozygotes.

Submission:

CeGaT Center for Human Genetics Tuebingen
Classification: Likely benign. Last evaluated: 2026-03-01. Review status: criteria provided, single submitter. Criteria: CeGaT Center For Human Genetics Tuebingen Variant Classification Criteria Version 2. Collection method: clinical testing. Allele origin: germline. Affected: yes. Observed: 1 variant allele.
Comment: PPP1R3F: BP4, BP7, BS2

NM_033215.5(PPP1R3F):c.273G>A (p.Gly91=)

Gene: PPP1R3F (protein phosphatase 1 regulatory subunit 3F; plus strand). Cytogenetic location: Xp11.23.
Variant type: single nucleotide variant.
Coding change: c.273G>A on transcript NM_033215.5 (MANE Select); coding-DNA position 273, G replaced by A.
Protein change: p.Gly91=; no amino-acid change (glycine 91 retained).
Molecular consequence: synonymous variant. On other transcripts: intron variant (1).
Genome position (GRCh38, 1-based): chrX:49,270,142, G>A. VCF-style: chrX-49270142-G-A. GRCh37 (hg19) VCF-style: chrX-49126605-G-A.
Other names: c.-32+209G>A (NM_001184745.2).
Identifiers: ClinVar variation 4822424 (VCV004822424.4).
Genomic context (GRCh38, chrX:49,270,142, plus strand): 5'-AGATGGCGGCGGCGGCGGCGGGGCCGACGAGGACGACGATGGCGAGGATGGGGATGAAGG[G>A]GAGGAGGAAGAGGAGGCTTGCCCCGAGCCCTCACCGCTGTGCCCCGTCCCCGCTGGCGGG-3'
Protein context (NP_149992.3, residues 81-101): EDDDGEDGDE[Gly91=]EEEEEACPEP